The following is an entry in ClinVar:

NM_000465.4(BARD1):c.1758_1761del (p.Glu587fs)

Gene: BARD1 (BRCA1 associated RING domain 1; minus strand). Cytogenetic location: 2q35.
Variant type: Deletion.
Coding change: c.1758_1761del on transcript NM_000465.4 (MANE Select); coding-DNA positions 1758 to 1761, 4 bases deleted (TGAG; older notation c.1758_1761delTGAG).
Protein change: p.Glu587fs; shifts the reading frame from glutamic acid 587.
Molecular consequence: frameshift variant. On other transcripts: non-coding transcript variant (3), intron variant (1).
Genome position (GRCh38, 1-based): chr2:214,745,771-214,745,774, CTCA deleted on the plus strand (TGAG on the coding strand, the reverse complement: BARD1 is on the minus strand); deleting any 4 consecutive bases within chr2:214,745,771-214,745,776 gives the same sequence; the c. name uses the placement nearest the transcript's 3' end. VCF-style (leftmost placement, unchanged base first): chr2-214745770-GCTCA-G. GRCh37 (hg19) VCF-style: chr2-215610494-GCTCA-G.
Other names: c.1701_1704del, p.Glu568fs (NM_001282543.2); c.405_408del, p.Glu136fs (NM_001282545.2); c.348_351del, p.Glu117fs (NM_001282548.2); c.365-15266_365-15263del (NM_001282549.2); short protein forms E117fs, E587fs, E568fs, E136fs.
Identifiers: ClinVar variation 648115 (VCV000648115.8), dbSNP rs1574739207, ClinGen allele CA915941712.
Genomic context (GRCh38, chr2:214,745,770, plus strand): 5'-CAAAATCCTCACCTGTACTGTCAAACTCAGTATATTTTTTAGCCTTAAGAATTACTGCAA[GCTCA>G]CTGAGCATTTTCTGTTGTTCTGAAGACAGCCCACTGCCTATAAGTACAAGAGGTCCATCC-3'

ClinVar aggregate classification (germline): Pathogenic. Review status: criteria provided, multiple submitters, no conflicts (2 of 4 stars). 2 submissions from 2 submitters: Pathogenic (2). Last evaluated 2023-08-14.

Conditions:
Familial cancer of breast. Also called: hereditary breast carcinoma; Hereditary breast cancer; BREAST CANCER, FAMILIAL. Identifiers: Orphanet 227535, MedGen C0346153, MONDO:0016419, OMIM 114480. Disease mechanism: loss of function.

Submissions (2):

Myriad Genetics, Inc.
Classification: Pathogenic for Familial cancer of breast. Last evaluated: 2023-08-14. Review status: criteria provided, single submitter. Criteria: Myriad Autosomal Dominant, Autosomal Recessive and X-Linked Classification Criteria (2023). Collection method: clinical testing. Allele origin: unknown.
Comment: This variant is considered pathogenic. This variant creates a frameshift predicted to result in premature protein truncation.

Labcorp Genetics (formerly Invitae), Labcorp
Classification: Pathogenic for Familial cancer of breast. Last evaluated: 2018-11-17. Review status: criteria provided, single submitter. Criteria: Invitae Variant Classification Sherloc (09022015). Collection method: clinical testing. Allele origin: germline.
Comment: For these reasons, this variant has been classified as Pathogenic. Loss-of-function variants in BARD1 are known to be pathogenic (PMID: 20077502, 21344236). This variant has not been reported in the literature in individuals with BARD1-related disease. This variant is not present in population databases (ExAC no frequency). This sequence change creates a premature translational stop signal (p.Glu587Leufs*3) in the BARD1 gene. It is expected to result in an absent or disrupted protein product.

Literature cited by the submitters: PubMed 20077502 (cited by Labcorp Genetics (formerly Invitae), Labcorp); PubMed 21344236 (cited by Labcorp Genetics (formerly Invitae), Labcorp).